The following is an entry in ClinVar:

NM_004304.5(ALK):c.3882G>C (p.Lys1294Asn)

Gene: ALK (ALK receptor tyrosine kinase; minus strand). Cytogenetic location: 2p23.2.
Variant type: single nucleotide variant.
Coding change: c.3882G>C on transcript NM_004304.5 (MANE Select); coding-DNA position 3882, G replaced by C.
Protein change: p.Lys1294Asn; replaces lysine 1294 with asparagine.
Molecular consequence: missense variant.
Genome position (GRCh38, 1-based): chr2:29,207,227, C>G on the plus strand (G>C on the coding strand, the complement: ALK is on the minus strand). VCF-style: chr2-29207227-C-G. GRCh37 (hg19) VCF-style: chr2-29430093-C-G.
Other names: c.678G>C, p.Lys226Asn (NM_001353765.2); short protein forms K1294N, K226N.
Identifiers: ClinVar variation 2586668 (VCV002586668.2), dbSNP rs2148152095, ClinGen allele CA346468860.

ClinVar aggregate classification (germline): Uncertain significance (1 of 4 stars; one submission).

Conditions:
Hereditary cancer-predisposing syndrome. Also called: Hereditary neoplastic syndrome; Tumor predisposition; Hereditary Cancer Syndrome; Neoplastic Syndromes, Hereditary. Identifiers: Orphanet 140162, MedGen C0027672, MeSH D009386, MONDO:0015356.

Submission:

Ambry Genetics
Classification: Uncertain significance for Hereditary cancer-predisposing syndrome. Last evaluated: 2023-06-22. Review status: criteria provided, single submitter. Criteria: Ambry Variant Classification Scheme 2023. Collection method: clinical testing. Allele origin: germline.
Comment: The p.K1294N variant (also known as c.3882G>C), located in coding exon 26 of the ALK gene, results from a G to C substitution at nucleotide position 3882. The lysine at codon 1294 is replaced by asparagine, an amino acid with similar properties. This amino acid position is conserved. In addition, this alteration is predicted to be tolerated by in silico analysis. Since supporting evidence is limited at this time, the clinical significance of this alteration remains unclear.